The following is an entry in ClinVar:

NM_001042492.3(NF1):c.7059dup (p.Lys2354fs)

Gene: NF1 (neurofibromin 1; plus strand). Cytogenetic location: 17q11.2.
Variant type: Duplication.
Coding change: c.7059dup on transcript NM_001042492.3 (MANE Select); coding-DNA position 7059, one base duplicated (C; older notation c.7059dupC).
Protein change: p.Lys2354fs; shifts the reading frame from lysine 2354.
Molecular consequence: frameshift variant.
Genome position (GRCh38, 1-based): chr17:31,340,642, C duplicated. VCF-style (leftmost placement, unchanged base first): chr17-31340641-A-AC. GRCh37 (hg19) VCF-style: chr17-29667659-A-AC.
Other names: c.6996dup, p.Lys2333Glnfs (NM_000267.4); short protein forms K2333fs, K2354fs.
Identifiers: ClinVar variation 1370758 (VCV001370758.6), dbSNP rs2151562024, ClinGen allele CA2573153895.

ClinVar aggregate classification (germline): Pathogenic (1 of 4 stars; one submission).

Conditions:
Neurofibromatosis, type 1 (NF1). Also called: Peripheral type neurofibromatosis; Neurofibromatosis, type I; NEUROFIBROMATOSIS, TYPE I, SOMATIC; VON RECKLINGHAUSEN DISEASE. Identifiers: Orphanet 636, MedGen C0027831, MONDO:0018975, OMIM 162200. Disease mechanism: loss of function.

Submission:

Labcorp Genetics (formerly Invitae), Labcorp
Classification: Pathogenic for Neurofibromatosis, type 1. Last evaluated: 2021-04-10. Review status: criteria provided, single submitter. Criteria: Invitae Variant Classification Sherloc (09022015). Collection method: clinical testing. Allele origin: germline.
Comment: For these reasons, this variant has been classified as Pathogenic. This variant has not been reported in the literature in individuals with NF1-related conditions. This variant is not present in population databases (ExAC no frequency). This sequence change creates a premature translational stop signal (p.Lys2333Glnfs*32) in the NF1 gene. It is expected to result in an absent or disrupted protein product. Loss-of-function variants in NF1 are known to be pathogenic (PMID: 10712197, 23913538).

Literature cited by the submitters: PubMed 10712197; PubMed 23913538.